The following is an entry in ClinVar:

NM_172107.4(KCNQ2):c.169C>T (p.Pro57Ser)

Gene: KCNQ2 (potassium voltage-gated channel subfamily Q member 2; minus strand). Cytogenetic location: 20q13.33.
Variant type: single nucleotide variant.
Coding change: c.169C>T on transcript NM_172107.4 (MANE Select); coding-DNA position 169, C replaced by T.
Protein change: p.Pro57Ser; replaces proline 57 with serine.
Molecular consequence: missense variant.
Genome position (GRCh38, 1-based): chr20:63,472,295, G>A on the plus strand (C>T on the coding strand, the complement: KCNQ2 is on the minus strand). VCF-style: chr20-63472295-G-A. GRCh37 (hg19) VCF-style: chr20-62103648-G-A.
Other names: c.169C>T, p.Pro57Ser (NM_001382235.1, NM_004518.6, NM_172106.3 and 2 more transcripts); c.169C>T (NM_172107.2); short protein forms P57S.
Identifiers: ClinVar variation 1057327 (VCV001057327.11), dbSNP rs1276943039, ClinGen allele CA409635334.

ClinVar aggregate classification (germline): Uncertain significance. Review status: criteria provided, multiple submitters, no conflicts (2 of 4 stars). 2 submissions from 2 submitters: Uncertain significance (2). Last evaluated 2023-10-20.

Conditions:
Early-infantile DEE. Also called: Ohtahara syndrome; Early infantile epileptic encephalopathy with suppression bursts; Early infantile epileptic encephalopathy. Identifiers: Orphanet 1934, MedGen C0393706, MONDO:0800491.

Allele frequency attached by ClinVar (database versions not stated): gnomAD 0.00001; gnomAD exomes 0.00001; TOPMed 0.00001.
gnomAD v4.1: 5 of 1,538,898 alleles (0.00032%); highest among the groups gnomAD compares: African/African-American, 0.0014%; no homozygotes.

Submissions (2):

GeneDx
Classification: Uncertain significance. Last evaluated: 2023-10-20. Review status: criteria provided, single submitter. Criteria: GeneDx Variant Classification Process June 2021. Collection method: clinical testing. Allele origin: germline. Affected: yes.
Comment: Not observed at significant frequency in large population cohorts (gnomAD); Missense variants in this gene are a common cause of disease and they are underrepresented in the general population; In silico analysis supports that this missense variant has a deleterious effect on protein structure/function; This substitution is predicted to be within the N-terminal cytoplasmic domain.; Has not been previously published as pathogenic or benign to our knowledge

Labcorp Genetics (formerly Invitae), Labcorp
Classification: Uncertain significance for Early-infantile DEE. Last evaluated: 2020-08-26. Review status: criteria provided, single submitter. Criteria: Invitae Variant Classification Sherloc (09022015). Collection method: clinical testing. Allele origin: germline.
Comment: In summary, the available evidence is currently insufficient to determine the role of this variant in disease. Therefore, it has been classified as a Variant of Uncertain Significance. Algorithms developed to predict the effect of missense changes on protein structure and function are either unavailable or do not agree on the potential impact of this missense change (SIFT: "Deleterious"; PolyPhen-2: "Benign"; Align-GVGD: "Class C0"). This variant has not been reported in the literature in individuals with KCNQ2-related conditions. The frequency data for this variant in the population databases is considered unreliable, as metrics indicate insufficient coverage at this position in the ExAC database. This sequence change replaces proline with serine at codon 57 of the KCNQ2 protein (p.Pro57Ser). The proline residue is moderately conserved and there is a moderate physicochemical difference between proline and serine.